The following is an entry in ClinVar:

ClinVar aggregate classification (germline): Uncertain significance (1 of 4 stars; one submission).

Allele frequency attached by ClinVar (database versions not stated): gnomAD exomes below 0.00001; TOPMed 0.00001.
gnomAD v4.1: 1 of 1,610,912 alleles (0.000062%); highest among the groups gnomAD compares: South Asian, 0.0011%; no homozygotes.

Submission:

Labcorp Genetics (formerly Invitae), Labcorp
Classification: Uncertain significance. Last evaluated: 2020-08-31. Review status: criteria provided, single submitter. Criteria: Invitae Variant Classification Sherloc (09022015). Collection method: clinical testing. Allele origin: germline.
Comment: This variant has not been reported in the literature in individuals with ATF6-related conditions. This sequence change replaces aspartic acid with glutamic acid at codon 428 of the ATF6 protein (p.Asp428Glu). The aspartic acid residue is moderately conserved and there is a small physicochemical difference between aspartic acid and glutamic acid. This variant is not present in population databases (ExAC no frequency). Algorithms developed to predict the effect of missense changes on protein structure and function (SIFT, PolyPhen-2, Align-GVGD) all suggest that this variant is likely to be tolerated, but these predictions have not been confirmed by published functional studies and their clinical significance is uncertain. In summary, the available evidence is currently insufficient to determine the role of this variant in disease. Therefore, it has been classified as a Variant of Uncertain Significance.

NM_007348.4(ATF6):c.1284C>G (p.Asp428Glu)

Gene: ATF6 (activating transcription factor 6; plus strand). Cytogenetic location: 1q23.3.
Variant type: single nucleotide variant.
Coding change: c.1284C>G on transcript NM_007348.4 (MANE Select); coding-DNA position 1284, C replaced by G.
Protein change: p.Asp428Glu; replaces aspartic acid 428 with glutamic acid.
Molecular consequence: missense variant.
Genome position (GRCh38, 1-based): chr1:161,846,545, C>G. VCF-style: chr1-161846545-C-G. GRCh37 (hg19) VCF-style: chr1-161816335-C-G.
Other names: short protein forms D428E.
Identifiers: ClinVar variation 1026565 (VCV001026565.5), dbSNP rs889410776, ClinGen allele CA31720634.